The following is an entry in ClinVar:

NM_005228.5(EGFR):c.2880G>A (p.Lys960=)

Gene: EGFR (epidermal growth factor receptor; plus strand). Cytogenetic location: 7p11.2.
Variant type: single nucleotide variant.
Coding change: c.2880G>A on transcript NM_005228.5 (MANE Select); coding-DNA position 2880, G replaced by A.
Protein change: p.Lys960=; no amino-acid change (lysine 960 retained).
Molecular consequence: synonymous variant.
Genome position (GRCh38, 1-based): chr7:55,200,347, G>A. VCF-style: chr7-55200347-G-A. GRCh37 (hg19) VCF-style: chr7-55268040-G-A.
Other names: c.2745G>A, p.Lys915= (NM_001346897.2, NM_001346899.2); c.2880G>A, p.Lys960= (NM_001346898.2); c.2721G>A, p.Lys907= (NM_001346900.2); c.2079G>A, p.Lys693= (NM_001346941.2).
Identifiers: ClinVar variation 1927031 (VCV001927031.6), dbSNP rs1419435669, ClinGen allele CA454968106.

ClinVar aggregate classification (germline): Conflicting classifications of pathogenicity. Review status: criteria provided, conflicting classifications (1 of 4 stars). 2 submissions from 2 submitters: Uncertain significance (1); Likely benign (1). Last evaluated 2026-05-20.

Conditions:
EGFR-related lung cancer (EGFR). Identifiers: MedGen CN130014.
Hereditary cancer-predisposing syndrome. Also called: Neoplastic Syndromes, Hereditary; Tumor predisposition; Hereditary Cancer Syndrome; Hereditary neoplastic syndrome. Identifiers: Orphanet 140162, MedGen C0027672, MeSH D009386, MONDO:0015356.

Allele frequency attached by ClinVar (database versions not stated): gnomAD exomes 0.00001.
gnomAD v4.1: 8 of 1,614,094 alleles (0.0005%); highest among the groups gnomAD compares: Middle Eastern, 0.016%; no homozygotes.

Submissions (2):

Ambry Genetics
Classification: Uncertain significance for Hereditary cancer-predisposing syndrome. Last evaluated: 2026-05-20. Review status: criteria provided, single submitter. Criteria: Ambry Variant Classification Scheme 2023. Collection method: clinical testing. Allele origin: germline.
Comment: The c.2880G>A variant (also known as p.K960K), located in coding exon 24 of the EGFR gene, results from a G to A substitution at nucleotide position 2880. This nucleotide substitution does not change the amino acid at codon 960. This nucleotide position is not well conserved in available vertebrate species. In silico splice site analysis for this alteration is inconclusive. Based on the available evidence, the clinical significance of this variant remains unclear.

Labcorp Genetics (formerly Invitae), Labcorp
Classification: Likely benign for EGFR-related lung cancer. Last evaluated: 2022-03-23. Review status: criteria provided, single submitter. Criteria: Invitae Variant Classification Sherloc (09022015). Collection method: clinical testing. Allele origin: germline.